The following is an entry in ClinVar:

ClinVar aggregate classification (germline): Uncertain significance (1 of 4 stars; one submission).

Conditions:
Baller-Gerold syndrome (BGS). Also called: CRANIOSYNOSTOSIS WITH RADIAL DEFECTS. Identifiers: Orphanet 1225, MedGen C0265308, MONDO:0009039, OMIM 218600.

Allele frequency attached by ClinVar (database versions not stated): gnomAD exomes below 0.00001.
gnomAD v4.1: 1 of 1,612,462 alleles (0.000062%); highest among the groups gnomAD compares: Non-Finnish European, 0.000085%; no homozygotes.

Submission:

Labcorp Genetics (formerly Invitae), Labcorp
Classification: Uncertain significance for Baller-Gerold syndrome. Last evaluated: 2025-02-26. Review status: criteria provided, single submitter. Criteria: Invitae Variant Classification Sherloc (09022015). Collection method: clinical testing. Allele origin: germline.
Comment: This sequence change replaces histidine, which is basic and polar, with arginine, which is basic and polar, at codon 1036 of the RECQL4 protein (p.His1036Arg). This variant is not present in population databases (gnomAD no frequency). This variant has not been reported in the literature in individuals affected with RECQL4-related conditions. ClinVar contains an entry for this variant (Variation ID: 1511258). Invitae Evidence Modeling of protein sequence and biophysical properties (such as structural, functional, and spatial information, amino acid conservation, physicochemical variation, residue mobility, and thermodynamic stability) indicates that this missense variant is not expected to disrupt RECQL4 protein function with a negative predictive value of 80%. In summary, the available evidence is currently insufficient to determine the role of this variant in disease. Therefore, it has been classified as a Variant of Uncertain Significance.

NM_004260.4(RECQL4):c.3107A>G (p.His1036Arg)

Gene: RECQL4 (RecQ like helicase 4; minus strand). Cytogenetic location: 8q24.3.
Variant type: single nucleotide variant.
Coding change: c.3107A>G on transcript NM_004260.4 (MANE Select); coding-DNA position 3107, A replaced by G.
Protein change: p.His1036Arg; replaces histidine 1036 with arginine.
Molecular consequence: missense variant.
Genome position (GRCh38, 1-based): chr8:144,512,273, T>C on the plus strand (A>G on the coding strand, the complement: RECQL4 is on the minus strand). VCF-style: chr8-144512273-T-C. GRCh37 (hg19) VCF-style: chr8-145737656-T-C.
Other names: short protein forms H1036R.
Identifiers: ClinVar variation 1511258 (VCV001511258.6), dbSNP rs2130659859, ClinGen allele CA372670606.